The following is an entry in ClinVar:

NM_032153.6(ZIC4):c.547A>G (p.Lys183Glu)

Gene: ZIC4 (Zic family zinc finger 4; minus strand). Cytogenetic location: 3q24.
Variant type: single nucleotide variant.
Coding change: c.547A>G on transcript NM_032153.6 (MANE Select); coding-DNA position 547, A replaced by G.
Protein change: p.Lys183Glu; replaces lysine 183 with glutamic acid.
Molecular consequence: missense variant. On other transcripts: intron variant (1).
Genome position (GRCh38, 1-based): chr3:147,395,993, T>C on the plus strand (A>G on the coding strand, the complement: ZIC4 is on the minus strand). VCF-style: chr3-147395993-T-C. GRCh37 (hg19) VCF-style: chr3-147113780-T-C.
Other names: c.697A>G, p.Lys233Glu (NM_001168378.1); c.661A>G, p.Lys221Glu (NM_001168379.2); c.71-4747A>G (NM_001243256.2); short protein forms K183E, K233E, K221E.
Identifiers: ClinVar variation 2721325 (VCV002721325.3), dbSNP rs768430279, ClinGen allele CA2656777.

ClinVar aggregate classification (germline): Uncertain significance (1 of 4 stars; one submission).

Allele frequency attached by ClinVar (database versions not stated): gnomAD 0.00003; gnomAD exomes 0.00003; ExAC 0.00002; TOPMed 0.00005.
gnomAD v4.1: 48 of 1,614,252 alleles (0.003%); highest among the groups gnomAD compares: Middle Eastern, 0.12%; no homozygotes.

Submission:

Labcorp Genetics (formerly Invitae), Labcorp
Classification: Uncertain significance. Last evaluated: 2025-03-17. Review status: criteria provided, single submitter. Criteria: Invitae Variant Classification Sherloc (09022015). Collection method: clinical testing. Allele origin: germline.
Comment: This sequence change replaces lysine, which is basic and polar, with glutamic acid, which is acidic and polar, at codon 233 of the ZIC4 protein (p.Lys233Glu). This variant is present in population databases (rs768430279, gnomAD 0.01%). This variant has not been reported in the literature in individuals affected with ZIC4-related conditions. ClinVar contains an entry for this variant (Variation ID: 2721325). An algorithm developed to predict the effect of missense changes on protein structure and function (PolyPhen-2) suggests that this variant is likely to be disruptive. In summary, the available evidence is currently insufficient to determine the role of this variant in disease. Therefore, it has been classified as a Variant of Uncertain Significance.